The following is an entry in ClinVar:

ClinVar aggregate classification (germline): Pathogenic/Likely pathogenic. Review status: criteria provided, multiple submitters, no conflicts (2 of 4 stars). 2 submissions from 2 submitters: Pathogenic (1); Likely pathogenic (1). Last evaluated 2022-02-03.

Conditions:
Marfan syndrome (MFS). Also called: FBN1-Related Marfan Syndrome; MARFAN SYNDROME, TYPE I; Marfan syndrome type 1; Marfan's syndrome; Marfan syndrome, classic. Identifiers: Orphanet 284963, Orphanet 558, MedGen C0024796, MONDO:0007947, OMIM 154700.
Familial thoracic aortic aneurysm and aortic dissection (TAAD). Also called: Thoracic aortic aneurysms and dissections. Identifiers: Orphanet 91387, MedGen C4707243, MONDO:0019625.
FBN1-related disorder. Also called: FBN1-related disorders.

Submissions (2):

Blueprint Genetics
Classification: Likely pathogenic for FBN1-related disorders. Last evaluated: 2022-02-03. Review status: criteria provided, single submitter. Criteria: ACMG Guidelines, 2015. Collection method: clinical testing. Allele origin: germline. Affected: yes. Observed: 1 variant allele.

Labcorp Genetics (formerly Invitae), Labcorp
Classification: Pathogenic for Marfan syndrome; Familial thoracic aortic aneurysm and aortic dissection. Last evaluated: 2022-01-11. Review status: criteria provided, single submitter. Criteria: Invitae Variant Classification Sherloc (09022015). Collection method: clinical testing. Allele origin: germline.
Comment: ClinVar contains an entry for this variant (Variation ID: 961251). This missense change has been observed in individual(s) with clinical features of Marfan syndrome (Invitae). Advanced modeling of protein sequence and biophysical properties (such as structural, functional, and spatial information, amino acid conservation, physicochemical variation, residue mobility, and thermodynamic stability) performed at Invitae indicates that this missense variant is expected to disrupt FBN1 protein function. This variant disrupts the p.Arg954 amino acid residue in FBN1. Other variant(s) that disrupt this residue have been observed in individuals with FBN1-related conditions (PMID: 19159394, 30838813), which suggests that this may be a clinically significant amino acid residue. For these reasons, this variant has been classified as Pathogenic. This sequence change replaces arginine, which is basic and polar, with proline, which is neutral and non-polar, at codon 954 of the FBN1 protein (p.Arg954Pro). This variant is not present in population databases (gnomAD no frequency).

Literature cited by the submitters: PubMed 19159394 (cited by Labcorp Genetics (formerly Invitae), Labcorp); PubMed 30838813 (cited by Labcorp Genetics (formerly Invitae), Labcorp).

NM_000138.5(FBN1):c.2861G>C (p.Arg954Pro)

Gene: FBN1 (fibrillin 1; minus strand). Cytogenetic location: 15q21.1.
Variant type: single nucleotide variant.
Coding change: c.2861G>C on transcript NM_000138.5 (MANE Select); coding-DNA position 2861, G replaced by C.
Protein change: p.Arg954Pro; replaces arginine 954 with proline.
Molecular consequence: missense variant.
Genome position (GRCh38, 1-based): chr15:48,490,072, C>G on the plus strand (G>C on the coding strand, the complement: FBN1 is on the minus strand). VCF-style: chr15-48490072-C-G. GRCh37 (hg19) VCF-style: chr15-48782269-C-G.
Other names: short protein forms R954P.
Identifiers: ClinVar variation 961251 (VCV000961251.11), dbSNP rs112911555, ClinGen allele CA392330206.